The following is an entry in ClinVar:

ClinVar aggregate classification (germline): Uncertain significance (1 of 4 stars; one submission).

Conditions:
Charcot-Marie-Tooth disease dominant intermediate C (CMTDIC). Also called: CHARCOT-MARIE-TOOTH NEUROPATHY, DOMINANT INTERMEDIATE C. Identifiers: Orphanet 100045, MedGen C1842237, MONDO:0012012, OMIM 608323.

Submission:

Labcorp Genetics (formerly Invitae), Labcorp
Classification: Uncertain significance for Charcot-Marie-Tooth disease dominant intermediate C. Last evaluated: 2025-07-20. Review status: criteria provided, single submitter. Criteria: Invitae Variant Classification Sherloc (09022015). Collection method: clinical testing. Allele origin: germline.
Comment: This sequence change affects a donor splice site in intron 3 of the YARS gene. It is expected to disrupt RNA splicing. Variants that disrupt the donor or acceptor splice site typically lead to a loss of protein function (PMID: 16199547), however the current clinical and genetic evidence is not sufficient to establish whether loss-of-function variants in YARS cause disease. This variant is not present in population databases (gnomAD no frequency). This variant has not been reported in the literature in individuals affected with YARS-related conditions. Algorithms developed to predict the effect of sequence changes on RNA splicing suggest that this variant may disrupt the consensus splice site. In summary, the available evidence is currently insufficient to determine the role of this variant in disease. Therefore, it has been classified as a Variant of Uncertain Significance.

Literature cited by the submitters: PubMed 16199547.

NM_003680.4(YARS1):c.380+1G>A

Gene: YARS1 (tyrosyl-tRNA synthetase 1; minus strand). Cytogenetic location: 1p35.1.
Variant type: single nucleotide variant.
Coding change: c.380+1G>A on transcript NM_003680.4 (MANE Select); the canonical splice donor site of the intron after coding-DNA position 380, G replaced by A.
Molecular consequence: splice donor variant.
Genome position (GRCh38, 1-based): chr1:32,810,590, C>T on the plus strand (G>A on the coding strand, the complement: YARS1 is on the minus strand). VCF-style: chr1-32810590-C-T. GRCh37 (hg19) VCF-style: chr1-33276191-C-T.
Identifiers: ClinVar variation 4723239 (VCV004723239.1).